The following is an entry in ClinVar:

NM_001003841.3(SLC6A19):c.683C>T (p.Thr228Met)

Gene: SLC6A19 (solute carrier family 6 member 19; plus strand). Cytogenetic location: 5p15.33.
Variant type: single nucleotide variant.
Coding change: c.683C>T on transcript NM_001003841.3 (MANE Select); coding-DNA position 683, C replaced by T.
Protein change: p.Thr228Met; replaces threonine 228 with methionine.
Molecular consequence: missense variant.
Genome position (GRCh38, 1-based): chr5:1,213,482, C>T. VCF-style: chr5-1213482-C-T. GRCh37 (hg19) VCF-style: chr5-1213597-C-T.
Other names: short protein forms T228M.
Identifiers: ClinVar variation 1482946 (VCV001482946.6), dbSNP rs762412163, ClinGen allele CA3182836.

ClinVar aggregate classification (germline): Uncertain significance. Review status: criteria provided, multiple submitters, no conflicts (2 of 4 stars). 2 submissions from 2 submitters: Uncertain significance (2). Last evaluated 2022-07-20.

Conditions:
Iminoglycinuria. Identifiers: Orphanet 42062, MedGen C0268654, MONDO:0009448, OMIM 242600.
Neutral 1 amino acid transport defect (HND). Also called: HARTNUP DISORDER; Hartnup disease. Identifiers: Orphanet 2116, MedGen C0018609, MONDO:0009324, OMIM 234500.
Hyperglycinuria. Also called: GLYCINURIA WITH OR WITHOUT OXALATE NEPHROLITHIASIS; GLYCINURIA WITH OR WITHOUT OXALATE UROLITHIASIS; IMINOGLYCINURIA TYPE II. Identifiers: MedGen C0543541, MONDO:0007677, OMIM 138500, HP:0003108.

Allele frequency attached by ClinVar (database versions not stated): ExAC 0.00002; gnomAD exomes 0.00012; TOPMed 0.00025; gnomAD 0.00034 and 0.00037.
gnomAD v4.1: 87 of 1,605,792 alleles (0.0054%); highest among the groups gnomAD compares: Admixed American, 0.12%; 1 homozygote.

Submissions (2):

Labcorp Genetics (formerly Invitae), Labcorp
Classification: Uncertain significance. Last evaluated: 2022-07-20. Review status: criteria provided, single submitter. Criteria: Invitae Variant Classification Sherloc (09022015). Collection method: clinical testing. Allele origin: germline.
Comment: This sequence change replaces threonine, which is neutral and polar, with methionine, which is neutral and non-polar, at codon 228 of the SLC6A19 protein (p.Thr228Met). This variant is present in population databases (rs762412163, gnomAD 0.07%). This variant has not been reported in the literature in individuals affected with SLC6A19-related conditions. ClinVar contains an entry for this variant (Variation ID: 1482946). Algorithms developed to predict the effect of missense changes on protein structure and function are either unavailable or do not agree on the potential impact of this missense change (SIFT: "Deleterious"; PolyPhen-2: "Probably Damaging"; Align-GVGD: "Class C0"). In summary, the available evidence is currently insufficient to determine the role of this variant in disease. Therefore, it has been classified as a Variant of Uncertain Significance.

Fulgent Genetics
Classification: Uncertain significance for Hyperglycinuria; Neutral 1 amino acid transport defect; Iminoglycinuria. Last evaluated: 2022-05-25. Review status: criteria provided, single submitter. Criteria: ACMG Guidelines, 2015. Collection method: clinical testing. Allele origin: unknown.